The following is an entry in ClinVar:

NM_001184.4(ATR):c.5726G>A (p.Ser1909Asn)

Gene: ATR (ATR checkpoint kinase; minus strand). Cytogenetic location: 3q23.
Variant type: single nucleotide variant.
Coding change: c.5726G>A on transcript NM_001184.4 (MANE Select); coding-DNA position 5726, G replaced by A.
Protein change: p.Ser1909Asn; replaces serine 1909 with asparagine.
Molecular consequence: missense variant.
Genome position (GRCh38, 1-based): chr3:142,497,025, C>T on the plus strand (G>A on the coding strand, the complement: ATR is on the minus strand). VCF-style: chr3-142497025-C-T. GRCh37 (hg19) VCF-style: chr3-142215867-C-T.
Other names: c.5534G>A, p.Ser1845Asn (NM_001354579.2); short protein forms S1845N, S1909N.
Identifiers: ClinVar variation 1749301 (VCV001749301.2), dbSNP rs2108335511, ClinGen allele CA354814358.

ClinVar aggregate classification (germline): Uncertain significance (1 of 4 stars; one submission).

Conditions:
Inborn genetic diseases. Identifiers: MedGen C0950123, MeSH D030342.

Allele frequency attached by ClinVar (database versions not stated): gnomAD exomes below 0.00001.
gnomAD v4.1: 1 of 1,612,488 alleles (0.000062%); highest among the groups gnomAD compares: African/African-American, 0.0013%; no homozygotes.

Submission:

Ambry Genetics
Classification: Uncertain significance for Inborn genetic diseases. Last evaluated: 2021-06-20. Review status: criteria provided, single submitter. Criteria: Ambry Variant Classification Scheme 2023. Collection method: clinical testing. Allele origin: germline.
Comment: The p.S1909N variant (also known as c.5726G>A), located in coding exon 33 of the ATR gene, results from a G to A substitution at nucleotide position 5726. The serine at codon 1909 is replaced by asparagine, an amino acid with highly similar properties. This amino acid position is conserved. In addition, this alteration is predicted to be tolerated by in silico analysis. Since supporting evidence is limited at this time, the clinical significance of this alteration remains unclear.